The following is an entry in ClinVar:

ClinVar aggregate classification (germline): Uncertain significance (1 of 4 stars; one submission).

Submission:

GeneDx
Classification: Uncertain significance. Last evaluated: 2023-12-06. Review status: criteria provided, single submitter. Criteria: GeneDx Variant Classification Process June 2021. Collection method: clinical testing. Allele origin: germline. Affected: yes.
Comment: In-frame deletion of 1 amino acid in a non-repeat region; In silico analysis supports a deleterious effect on protein structure/function; Has not been previously published as pathogenic or benign to our knowledge

NM_015570.4(AUTS2):c.718_720del (p.Phe240del)

Gene: AUTS2 (activator of transcription and developmental regulator AUTS2; plus strand). Cytogenetic location: 7q11.22.
Variant type: Deletion.
Coding change: c.718_720del on transcript NM_015570.4 (MANE Select); coding-DNA positions 718 to 720, 3 bases deleted (TTC; older notation c.718_720delTTC).
Protein change: p.Phe240del; deletes phenylalanine 240.
Genome position (GRCh38, 1-based): chr7:70,698,596-70,698,598, TTC deleted; deleting any 3 consecutive bases within chr7:70,698,594-70,698,598 gives the same sequence; the c. name uses the placement nearest the transcript's 3' end. VCF-style (leftmost placement, unchanged base first): chr7-70698593-CTCT-C. GRCh37 (hg19) VCF-style: chr7-70163579-CTCT-C.
Other names: c.718_720del, p.Phe240del (NM_001127231.3); short protein forms F240del.
Identifiers: ClinVar variation 3364673 (VCV003364673.1).